The following is an entry in ClinVar:

ClinVar aggregate classification (germline): Uncertain significance (1 of 4 stars; one submission).

Conditions:
Ataxia-telangiectasia-like disorder (ATLD). Identifiers: MedGen C1858391, MONDO:0011457.

Submission:

Labcorp Genetics (formerly Invitae), Labcorp
Classification: Uncertain significance for Ataxia-telangiectasia-like disorder. Last evaluated: 2018-07-03. Review status: criteria provided, single submitter. Criteria: Invitae Variant Classification Sherloc (09022015). Collection method: clinical testing. Allele origin: germline.
Comment: Algorithms developed to predict the effect of sequence changes on RNA splicing suggest that this variant may disrupt the consensus splice site, but this prediction has not been confirmed by published transcriptional studies. This sequence change falls in intron 13 of the MRE11 gene. It does not directly change the encoded amino acid sequence of the MRE11 protein. This variant is not present in population databases (ExAC no frequency). This variant has not been reported in the literature in individuals with MRE11-related disease. In summary, the available evidence is currently insufficient to determine the role of this variant in disease. Therefore, it has been classified as a Variant of Uncertain Significance.

NM_005591.4(MRE11):c.1501-8T>A

Gene: MRE11 (MRE11 double strand break repair nuclease; minus strand). Cytogenetic location: 11q21.
Variant type: single nucleotide variant.
Coding change: c.1501-8T>A on transcript NM_005591.4 (MANE Select); 8 bases into the intron before coding-DNA position 1501, T replaced by A.
Molecular consequence: intron variant.
Genome position (GRCh38, 1-based): chr11:94,456,346, A>T on the plus strand (T>A on the coding strand, the complement: MRE11 is on the minus strand). VCF-style: chr11-94456346-A-T. GRCh37 (hg19) VCF-style: chr11-94189512-A-T.
Other names: c.1501-8T>A (NM_001330347.2, NM_005590.4).
Identifiers: ClinVar variation 656889 (VCV000656889.8), dbSNP rs753131403, ClinGen allele CA915948780.
Genomic context (GRCh38, chr11:94,456,346, plus strand): 5'-TCATCATCTTCTTCATTAGTATTTTTTTGTCTGGTTTCTCTGAAACGACGTACCTAGATC[A>T]TAACAGAGTAAATCACAAACATGTTGCCTATTCCAGTTATGTAAATATAAAACAAGGGGC-3'